The following is an entry in ClinVar:

ClinVar aggregate classification (germline): Uncertain significance (1 of 4 stars; one submission).

Conditions:
Hypertrophic cardiomyopathy 9. Also called: Familial hypertrophic cardiomyopathy 9. Identifiers: MedGen C1861065, MONDO:0013412, OMIM 613765.
Myopathy, myofibrillar, 9, with early respiratory failure (MFM9). Also called: Hereditary myopathy with early respiratory failure; EDSTROM MYOPATHY; MYOPATHY, PROXIMAL, WITH EARLY RESPIRATORY MUSCLE INVOLVEMENT; Myopathy, distal, with early respiratory failure, autosomal dominant. Identifiers: Orphanet 178464, Orphanet 34521, MedGen C1863599, MONDO:0011362, OMIM 603689.
Early-onset myopathy with fatal cardiomyopathy (CMYO5). Also called: CONGENITAL MYOPATHY 5 WITH CARDIOMYOPATHY; Salih Myopathy. Identifiers: Orphanet 289377, MedGen C2673677, MONDO:0012714, OMIM 611705. Disease mechanism: loss of function.
Autosomal recessive limb-girdle muscular dystrophy type 2J (LGMDR10). Also called: Limb-girdle muscular dystrophy, type 2J; MUSCULAR DYSTROPHY, LIMB-GIRDLE, AUTOSOMAL RECESSIVE 10. Identifiers: Orphanet 140922, MedGen C1837342, MONDO:0012127, OMIM 608807.
Dilated cardiomyopathy 1G (CMD1G). Identifiers: Orphanet 154, MedGen C1858763, MONDO:0011400, OMIM 604145.
Tibial muscular dystrophy (TMD). Also called: UDD MYOPATHY; Udd Distal Myopathy – Tibial Muscular Dystrophy; Tibial muscular dystrophy, tardive. Identifiers: Orphanet 609, MedGen C1838244, MONDO:0010870, OMIM 600334.

Submission:

Juno Genomics, Hangzhou Juno Genomics, Inc
Classification: Uncertain significance for Hypertrophic cardiomyopathy 9; Myopathy, myofibrillar, 9, with early respiratory failure; Tibial muscular dystrophy; Early-onset myopathy with fatal cardiomyopathy; Dilated cardiomyopathy 1G; Autosomal recessive limb-girdle muscular dystrophy type 2J. Review status: criteria provided, single submitter. Criteria: ACMG Guidelines, 2015. Collection method: clinical testing. Allele origin: germline.
Comment: Missense variant in a gene that has a low rate of benign missense variation.;Multiple lines of computational evidence support a deleterious effect on the gene or gene product.;Absent from controls (or at extremely low frequency if recessive) in Genome Aggregation Database.

NM_001267550.2(TTN):c.98458C>G (p.Pro32820Ala)

Genes: TTN (titin; minus strand), TTN-AS1 (TTN antisense RNA 1; plus strand). Cytogenetic location: 2q31.2.
Variant type: single nucleotide variant.
Coding change: c.98458C>G on transcript NM_001267550.2 (MANE Select); coding-DNA position 98458, C replaced by G.
Protein change: p.Pro32820Ala; replaces proline 32820 with alanine.
Molecular consequence: missense variant. On other transcripts: non-coding transcript variant (1).
Genome position (GRCh38, 1-based): chr2:178,539,607, G>C on the plus strand (C>G on the coding strand, the complement: TTN is on the minus strand). VCF-style: chr2-178539607-G-C. GRCh37 (hg19) VCF-style: chr2-179404334-G-C.
Other names: c.93535C>G, p.Pro31179Ala (NM_001256850.1); c.71263C>G, p.Pro23755Ala (NM_003319.4); c.90754C>G, p.Pro30252Ala (NM_133378.4); c.71638C>G, p.Pro23880Ala (NM_133432.3); c.71839C>G, p.Pro23947Ala (NM_133437.4); short protein forms P23755A, P30252A, P31179A, P23880A, P23947A, P32820A.
Identifiers: ClinVar variation 5006138 (VCV005006138.2).